The following is an entry in ClinVar:

NM_001267550.2(TTN):c.102339T>G (p.Cys34113Trp)

Genes: TTN-AS1 (TTN antisense RNA 1; plus strand), TTN (titin; minus strand). Cytogenetic location: 2q31.2.
Variant type: single nucleotide variant.
Coding change: c.102339T>G on transcript NM_001267550.2 (MANE Select); coding-DNA position 102339, T replaced by G.
Protein change: p.Cys34113Trp; replaces cysteine 34113 with tryptophan.
Molecular consequence: missense variant.
Genome position (GRCh38, 1-based): chr2:178,534,276, A>C on the plus strand (T>G on the coding strand, the complement: TTN is on the minus strand). VCF-style: chr2-178534276-A-C. GRCh37 (hg19) VCF-style: chr2-179399003-A-C.
Other names: p.C32472W:TGT>TGG; c.97416T>G, p.Cys32472Trp (NM_001256850.1); c.75144T>G, p.Cys25048Trp (NM_003319.4); c.94635T>G, p.Cys31545Trp (NM_133378.4); c.75519T>G, p.Cys25173Trp (NM_133432.3); c.75720T>G, p.Cys25240Trp (NM_133437.4); short protein forms C32472W, C34113W, C25048W, C25173W, C25240W, C31545W.
Identifiers: ClinVar variation 203065 (VCV000203065.8), dbSNP rs794729561, ClinGen allele CA311133.

ClinVar aggregate classification (germline): Uncertain significance. Review status: criteria provided, multiple submitters, no conflicts (2 of 4 stars). 2 submissions from 2 submitters: Uncertain significance (2). Last evaluated 2024-10-17.

Conditions:
Dilated cardiomyopathy 1G (CMD1G). Identifiers: Orphanet 154, MedGen C1858763, MONDO:0011400, OMIM 604145.
Autosomal recessive limb-girdle muscular dystrophy type 2J (LGMDR10). Also called: MUSCULAR DYSTROPHY, LIMB-GIRDLE, AUTOSOMAL RECESSIVE 10; Limb-girdle muscular dystrophy, type 2J. Identifiers: Orphanet 140922, MedGen C1837342, MONDO:0012127, OMIM 608807.

Allele frequency attached by ClinVar (database versions not stated): gnomAD exomes below 0.00001; TOPMed below 0.00001.
gnomAD v4.1: 1 of 1,613,912 alleles (0.000062%); highest among the groups gnomAD compares: Non-Finnish European, 0.000085%; no homozygotes.

Submissions (2):

Labcorp Genetics (formerly Invitae), Labcorp
Classification: Uncertain significance for Dilated cardiomyopathy 1G; Autosomal recessive limb-girdle muscular dystrophy type 2J. Last evaluated: 2024-10-17. Review status: criteria provided, single submitter. Criteria: Invitae Variant Classification Sherloc (09022015). Collection method: clinical testing. Allele origin: germline.
Comment: This sequence change replaces cysteine, which is neutral and slightly polar, with tryptophan, which is neutral and slightly polar, at codon 34113 of the TTN protein (p.Cys34113Trp). This variant is not present in population databases (gnomAD no frequency). This variant has not been reported in the literature in individuals affected with TTN-related conditions. ClinVar contains an entry for this variant (Variation ID: 203065). Experimental studies and prediction algorithms are not available or were not evaluated, and the functional significance of this variant is currently unknown. This variant is located in the M band of TTN (PMID: 25589632). Non-truncating variants in this region may be relevant for neuromuscular disorders, but have not been definitively shown to cause cardiomyopathy (PMID: 23975875). In summary, the available evidence is currently insufficient to determine the role of this variant in disease. Therefore, it has been classified as a Variant of Uncertain Significance.

GeneDx
Classification: Uncertain significance. Last evaluated: 2013-09-17. Review status: criteria provided, single submitter. Criteria: GeneDx Variant Classification (06012015). Collection method: clinical testing. Allele origin: germline. Affected: yes.
Comment: Missense variants in the TTN gene are considered 'unclassified' if they are not previously reported in the literature and do not have >1% frequency in the population to be considered a polymorphism. Research indicates that truncating mutations in the TTN gene are expected to account for approximately 25% of familial and 18% of sporadic idiopathic DCM; however, truncating variants in the TTN gene have been reported in approximately 3% of reported control alleles. There has been little investigation into non-truncating variants. (Herman D et al. Truncations of titin causing dilated cardiomyopathy. N Eng J Med 366:619-628, 2012) The variant is found in DCM panel(s).

Literature cited by the submitters: PubMed 25589632 (cited by Labcorp Genetics (formerly Invitae), Labcorp); PubMed 23975875 (cited by Labcorp Genetics (formerly Invitae), Labcorp).